The following is an entry in ClinVar:

ClinVar aggregate classification (germline): Pathogenic (1 of 4 stars; one submission).

Conditions:
Frontotemporal dementia and/or amyotrophic lateral sclerosis 4. Also called: FTDALS4. Identifiers: Orphanet 275872, MedGen C4225325, MONDO:0014641, OMIM 616439.

Submission:

Labcorp Genetics (formerly Invitae), Labcorp
Classification: Pathogenic for Frontotemporal dementia and/or amyotrophic lateral sclerosis 4. Last evaluated: 2023-01-22. Review status: criteria provided, single submitter. Criteria: Invitae Variant Classification Sherloc (09022015). Collection method: clinical testing. Allele origin: unknown.
Comment: For these reasons, this variant has been classified as Pathogenic. This variant has not been reported in the literature in individuals affected with TBK1-related conditions. A gross deletion of the genomic region encompassing the full coding sequence of the TBK1 gene has been identified. Loss-of-function variants in TBK1 are known to be pathogenic (PMID: 25803835, 26476236, 26581300). The boundaries of this event are unknown as they extend beyond the assayed region for this gene and therefore may encompass additional genes.

Literature cited by the submitters: PubMed 25803835; PubMed 26476236; PubMed 26581300.

NC_000012.11:g.(?_64849651)_(64895161_?)del

Gene: TBK1 (TANK binding kinase 1; plus strand). Cytogenetic location: 12q14.2.
Variant type: Deletion.
Identifiers: ClinVar variation 3244340 (VCV003244340.1).